The following is an entry in ClinVar:

ClinVar aggregate classification (germline): Uncertain significance. Review status: criteria provided, multiple submitters, no conflicts (2 of 4 stars). 3 submissions from 3 submitters: Uncertain significance (3). Last evaluated 2025-01-22.

Conditions:
Malignant hyperthermia, susceptibility to, 1 (MHS1). Also called: Anesthesia related hyperthermia; Malignant hyperpyrexia; Fulminating hyperpyrexia; Pharmacogenic myopathy; Malignant hyperthermia suceptibility 1; RYR1-Related Malignant Hyperthermia Susceptibility. Identifiers: Orphanet 423, MedGen C2930980, MONDO:0007783, OMIM 145600.
RYR1-related disorder. Also called: RYR1-related disorders; RYR1-related condition. Identifiers: MedGen CN239331.

Allele frequency attached by ClinVar (database versions not stated): TOPMed 0.00001.

Submissions (3):

Revvity Omics, Revvity
Classification: Uncertain significance. Last evaluated: 2025-01-22. Review status: criteria provided, single submitter. Criteria: ACMG Guidelines, 2015. Collection method: clinical testing. Allele origin: germline.

All of Us Research Program, National Institutes of Health
Classification: Uncertain significance for Malignant hyperthermia, susceptibility to, 1. Last evaluated: 2023-11-30. Review status: criteria provided, single submitter. Criteria: ACMG Guidelines, 2015. Collection method: clinical testing. Allele origin: germline. Inheritance: Autosomal dominant inheritance. Observed: 2 variant alleles, 2 heterozygotes.
Comment: This study involves interpretation of variants in research participants for the purpose of population health screening. Participant phenotype was not available at the time of variant classification. Additional details can be found in publication PMID: 35346344, PMCID: PMC8962531

Labcorp Genetics (formerly Invitae), Labcorp
Classification: Uncertain significance for RYR1-related disorder. Last evaluated: 2022-11-01. Review status: criteria provided, single submitter. Criteria: Invitae Variant Classification Sherloc (09022015). Collection method: clinical testing. Allele origin: germline.
Comment: This variant has not been reported in the literature in individuals affected with RYR1-related conditions. Algorithms developed to predict the effect of missense changes on protein structure and function (SIFT, PolyPhen-2, Align-GVGD) all suggest that this variant is likely to be tolerated. In summary, the available evidence is currently insufficient to determine the role of this variant in disease. Therefore, it has been classified as a Variant of Uncertain Significance. This variant is not present in population databases (gnomAD no frequency). This sequence change replaces phenylalanine, which is neutral and non-polar, with tyrosine, which is neutral and polar, at codon 4064 of the RYR1 protein (p.Phe4064Tyr).

NM_000540.3(RYR1):c.12191T>A (p.Phe4064Tyr)

Gene: RYR1 (ryanodine receptor 1; plus strand). Cytogenetic location: 19q13.2.
Variant type: single nucleotide variant.
Coding change: c.12191T>A on transcript NM_000540.3 (MANE Select); coding-DNA position 12191, T replaced by A.
Protein change: p.Phe4064Tyr; replaces phenylalanine 4064 with tyrosine.
Molecular consequence: missense variant.
Genome position (GRCh38, 1-based): chr19:38,548,329, T>A. VCF-style: chr19-38548329-T-A. GRCh37 (hg19) VCF-style: chr19-39038969-T-A.
Other names: c.12176T>A, p.Phe4059Tyr (NM_001042723.2); short protein forms F4059Y, F4064Y.
Identifiers: ClinVar variation 2435543 (VCV002435543.7), dbSNP rs1206834849, ClinGen allele CA405665554.